The following is an entry in ClinVar:

ClinVar aggregate classification (germline): Uncertain significance. Review status: criteria provided, multiple submitters, no conflicts (2 of 4 stars). 3 submissions from 3 submitters: Uncertain significance (3). Last evaluated 2026-01-06.

Conditions:
Hereditary cancer-predisposing syndrome. Also called: Hereditary neoplastic syndrome; Neoplastic Syndromes, Hereditary; Hereditary Cancer Syndrome; Tumor predisposition. Identifiers: Orphanet 140162, MedGen C0027672, MeSH D009386, MONDO:0015356.
Neuroblastoma, susceptibility to, 3. Also called: ALK-Related Neuroblastic Tumor Susceptibility. Identifiers: Orphanet 635, MedGen C2751681, MONDO:0013083, OMIM 613014.

Allele frequency attached by ClinVar (database versions not stated): ExAC 0.00001; gnomAD 0.00001; gnomAD exomes 0.00001; TOPMed 0.00001; 1000 Genomes Project 30x 0.00016; 1000 Genomes Project 0.00020.
gnomAD v4.1: 15 of 1,614,238 alleles (0.00093%); highest among the groups gnomAD compares: Admixed American, 0.0017%; no homozygotes.

Submissions (3):

Labcorp Genetics (formerly Invitae), Labcorp
Classification: Uncertain significance for Neuroblastoma, susceptibility to, 3. Last evaluated: 2026-01-06. Review status: criteria provided, single submitter. Criteria: Invitae Variant Classification Sherloc (09022015). Collection method: clinical testing. Allele origin: germline.
Comment: This sequence change replaces serine, which is neutral and polar, with leucine, which is neutral and non-polar, at codon 866 of the ALK protein (p.Ser866Leu). This variant is present in population databases (rs528844155, gnomAD 0.0009%). This variant has not been reported in the literature in individuals affected with ALK-related conditions. ClinVar contains an entry for this variant (Variation ID: 570576). An algorithm developed to predict the effect of missense changes on protein structure and function outputs the following: PolyPhen-2: "Benign". The leucine amino acid residue is found in multiple mammalian species, which suggests that this missense change does not adversely affect protein function. In summary, the available evidence is currently insufficient to determine the role of this variant in disease. Therefore, it has been classified as a Variant of Uncertain Significance.

Ambry Genetics
Classification: Uncertain significance for Hereditary cancer-predisposing syndrome. Last evaluated: 2025-01-10. Review status: criteria provided, single submitter. Criteria: Ambry Variant Classification Scheme 2023. Collection method: clinical testing. Allele origin: germline.
Comment: The p.S866L variant (also known as c.2597C>T), located in coding exon 15 of the ALK gene, results from a C to T substitution at nucleotide position 2597. The serine at codon 866 is replaced by leucine, an amino acid with dissimilar properties. This amino acid position is conserved. In addition, the in silico prediction for this alteration is inconclusive. Since supporting evidence is limited at this time, the clinical significance of this alteration remains unclear.

GeneDx
Classification: Uncertain significance. Last evaluated: 2022-10-05. Review status: criteria provided, single submitter. Criteria: GeneDx Variant Classification Process June 2021. Collection method: clinical testing. Allele origin: germline. Affected: yes.
Comment: Not observed at significant frequency in large population cohorts (gnomAD); In silico analysis supports that this missense variant has a deleterious effect on protein structure/function; Has not been previously published as pathogenic or benign to our knowledge

NM_004304.5(ALK):c.2597C>T (p.Ser866Leu)

Gene: ALK (ALK receptor tyrosine kinase; minus strand). Cytogenetic location: 2p23.2.
Variant type: single nucleotide variant.
Coding change: c.2597C>T on transcript NM_004304.5 (MANE Select); coding-DNA position 2597, C replaced by T.
Protein change: p.Ser866Leu; replaces serine 866 with leucine.
Molecular consequence: missense variant.
Genome position (GRCh38, 1-based): chr2:29,232,339, G>A on the plus strand (C>T on the coding strand, the complement: ALK is on the minus strand). VCF-style: chr2-29232339-G-A. GRCh37 (hg19) VCF-style: chr2-29455205-G-A.
Other names: short protein forms S866L.
Identifiers: ClinVar variation 570576 (VCV000570576.13), dbSNP rs528844155, ClinGen allele CA1594257.